The following is an entry in ClinVar:

NM_000053.4(ATP7B):c.4302G>A (p.Thr1434=)

Gene: ATP7B (ATPase copper transporting beta; minus strand). Cytogenetic location: 13q14.3.
Variant type: single nucleotide variant.
Coding change: c.4302G>A on transcript NM_000053.4 (MANE Select); coding-DNA position 4302, G replaced by A.
Protein change: p.Thr1434=; no amino-acid change (threonine 1434 retained).
Molecular consequence: synonymous variant.
Genome position (GRCh38, 1-based): chr13:51,934,852, C>T on the plus strand (G>A on the coding strand, the complement: ATP7B is on the minus strand). VCF-style: chr13-51934852-C-T. GRCh37 (hg19) VCF-style: chr13-52508988-C-T.
Other names: c.3681G>A, p.Thr1227= (NM_001005918.3); c.3969G>A, p.Thr1323= (NM_001243182.2); c.4068G>A, p.Thr1356= (NM_001330578.2); c.4050G>A, p.Thr1350= (NM_001330579.2).
Identifiers: ClinVar variation 35731 (VCV000035731.32), dbSNP rs116091486, ClinGen allele CA260153.

ClinVar aggregate classification (germline): Benign/Likely benign. Review status: criteria provided, multiple submitters, no conflicts (2 of 4 stars). 13 submissions from 13 submitters: Benign (6); Likely benign (4). 3 of the submissions do not count toward it. Last evaluated 2026-02-02.

Conditions:
Inborn genetic diseases. Identifiers: MedGen C0950123, MeSH D030342.
Wilson disease (WND). Also called: Wilson's disease. Identifiers: Orphanet 905, MedGen C0019202, MONDO:0010200, OMIM 277900. Disease mechanism: loss of function.

Allele frequency attached by ClinVar (database versions not stated): gnomAD exomes 0.00107 and 0.00280; 1000 Genomes Project 0.01158; ExAC 0.00345; gnomAD 0.01159 and 0.01080; TOPMed 0.01286; 1000 Genomes Project 30x 0.01249; ESP Exome Variant Server 0.01301.
gnomAD v4.1: 3,311 of 1,614,176 alleles (0.21%); highest among the groups gnomAD compares: African/African-American, 3.6%; 52 homozygotes.

Submissions (13):

Labcorp Genetics (formerly Invitae), Labcorp
Classification: Benign for Wilson disease. Last evaluated: 2026-02-02. Review status: criteria provided, single submitter. Criteria: Invitae Variant Classification Sherloc (09022015). Collection method: clinical testing. Allele origin: germline.

All of Us Research Program, National Institutes of Health
Classification: Likely benign for Wilson disease. Last evaluated: 2024-02-05. Review status: criteria provided, single submitter. Criteria: ACMG Guidelines, 2015. Collection method: clinical testing. Allele origin: germline. Inheritance: Autosomal recessive inheritance. Observed: 677 variant alleles, 668 heterozygotes, 9 homozygotes.
Comment: This study involves interpretation of variants in research participants for the purpose of population health screening. Participant phenotype was not available at the time of variant classification. Additional details can be found in publication PMID: 35346344, PMCID: PMC8962531

ARUP Laboratories, Molecular Genetics and Genomics, ARUP Laboratories
Classification: Benign for Wilson disease. Last evaluated: 2023-11-28. Review status: criteria provided, single submitter. Criteria: ARUP Molecular Germline Variant Investigation Process 2024. Collection method: clinical testing. Allele origin: germline.

Color Diagnostics, LLC DBA Color Health
Classification: Likely benign for Wilson disease. Last evaluated: 2022-06-24. Review status: criteria provided, single submitter. Criteria: ACMG Guidelines, 2015. Collection method: clinical testing. Allele origin: germline.

Illumina Laboratory Services, Illumina
Classification: Benign for Wilson disease. Last evaluated: 2018-08-30. Review status: criteria provided, single submitter. Criteria: ICSL Variant Classification Criteria 13 December 2019. Collection method: clinical testing. Allele origin: germline.
Comment: This variant was observed as part of a predisposition screen in an ostensibly healthy population. A literature search was performed for the gene, cDNA change, and amino acid change (where applicable). Publications were found based on this search. The evidence from the literature, in combination with allele frequency data from public databases where available, was sufficient to rule this variant out of causing disease. Therefore, this variant is classified as benign.

Ambry Genetics
Classification: Benign for Inborn genetic diseases. Last evaluated: 2017-05-11. Review status: criteria provided, single submitter. Criteria: Ambry Variant Classification Scheme 2023. Collection method: clinical testing. Allele origin: germline.

GeneDx
Classification: Benign. Last evaluated: 2016-05-24. Review status: criteria provided, single submitter. Criteria: GeneDx Variant Classification (06012015). Collection method: clinical testing. Allele origin: germline. Affected: yes.
Comment: This variant is considered likely benign or benign based on one or more of the following criteria: it is a conservative change, it occurs at a poorly conserved position in the protein, it is predicted to be benign by multiple in silico algorithms, and/or has population frequency not consistent with disease.

Women's Health and Genetics/Laboratory Corporation of America, LabCorp
Classification: Benign for Wilson Disease. Last evaluated: 2011-08-18. Review status: criteria provided, single submitter. Criteria: LabCorp Variant Classification Summary - May 2015. Collection method: curation, clinical testing. Allele origin: germline. Inheritance: autosomal unknown. Affected: yes.
ClinVar note: Converted during submission from benign to Benign.

Breakthrough Genomics
Classification: Likely benign. Review status: criteria provided, single submitter. Criteria: ACMG Guidelines, 2015. Collection method: not provided. Allele origin: germline. Inheritance: Autosomal recessive inheritance. Affected: yes.

PreventionGenetics, part of Exact Sciences
Classification: Likely benign. Review status: criteria provided, single submitter. Criteria: ACMG Guidelines, 2015. Collection method: clinical testing. Allele origin: germline.

Natera, Inc.
Classification: Benign for Wilson disease. Last evaluated: 2020-09-16. Review status: no assertion criteria provided. Collection method: clinical testing. Allele origin: germline. Not counted in ClinVar's aggregate classification.

Clinical Genetics, Academic Medical Center
Classification: Benign. Review status: no assertion criteria provided. Collection method: clinical testing. Allele origin: germline. Affected: yes. Study: VKGL Data-share Consensus. Not counted in ClinVar's aggregate classification.

Genome Diagnostics Laboratory, Amsterdam University Medical Center
Classification: Likely benign. Review status: no assertion criteria provided. Collection method: clinical testing. Allele origin: germline. Affected: yes. Study: VKGL Data-share Consensus. Not counted in ClinVar's aggregate classification.

Literature cited by the submitters: PubMed 21454443 (cited by Illumina Laboratory Services, Illumina); PubMed 18855987 (cited by Illumina Laboratory Services, Illumina).